The following is an entry in ClinVar:

NM_000700.3(ANXA1):c.683G>A (p.Arg228Lys)

Gene: ANXA1 (annexin A1; plus strand). Cytogenetic location: 9q21.13.
Variant type: single nucleotide variant.
Coding change: c.683G>A on transcript NM_000700.3 (MANE Select); coding-DNA position 683, G replaced by A.
Protein change: p.Arg228Lys; replaces arginine 228 with lysine.
Molecular consequence: missense variant.
Genome position (GRCh38, 1-based): chr9:73,165,186, G>A. VCF-style: chr9-73165186-G-A. GRCh37 (hg19) VCF-style: chr9-75780102-G-A.
Other names: short protein forms R228K.
Identifiers: ClinVar variation 2632457 (VCV002632457.1), dbSNP rs2490397429, ClinGen allele CA373728675.

ClinVar aggregate classification (germline): Uncertain significance (1 of 4 stars; one submission).

Conditions:
ANXA1-related disorder. Also called: ANXA1-related condition.

Allele frequency attached by ClinVar (database versions not stated): gnomAD exomes below 0.00001.
gnomAD v4.1: 1 of 1,612,684 alleles (0.000062%); highest among the groups gnomAD compares: Non-Finnish European, 0.000085%; no homozygotes.

Submission:

PreventionGenetics, part of Exact Sciences
Classification: Uncertain significance for ANXA1-related condition. Last evaluated: 2023-07-19. Review status: criteria provided, single submitter. Criteria: ACMG Guidelines, 2015. Collection method: clinical testing. Allele origin: germline.
Comment: The ANXA1 c.683G>A variant is predicted to result in the amino acid substitution p.Arg228Lys. To our knowledge, this variant has not been reported in the literature or in a large population database, indicating this variant is rare. At this time, the clinical significance of this variant is uncertain due to the absence of conclusive functional and genetic evidence.